The following is an entry in ClinVar:

NM_021120.4(DLG3):c.251C>T (p.Pro84Leu)

Gene: DLG3 (discs large MAGUK scaffold protein 3; plus strand). Cytogenetic location: Xq13.1.
Variant type: single nucleotide variant.
Coding change: c.251C>T on transcript NM_021120.4 (MANE Select); coding-DNA position 251, C replaced by T.
Protein change: p.Pro84Leu; replaces proline 84 with leucine.
Molecular consequence: missense variant.
Genome position (GRCh38, 1-based): chrX:70,445,452, C>T. VCF-style: chrX-70445452-C-T. GRCh37 (hg19) VCF-style: chrX-69665302-C-T.
Other names: short protein forms P84L.
Identifiers: ClinVar variation 1299587 (VCV001299587.2), dbSNP rs374006597, ClinGen allele CA10441913.

ClinVar aggregate classification (germline): Conflicting classifications of pathogenicity. Review status: criteria provided, conflicting classifications (1 of 4 stars). 2 submissions from 2 submitters: Uncertain significance (1); Likely benign (1). Last evaluated 2025-01-31.

Conditions:
Intellectual developmental disorder, X-linked 90. Also called: DLG3-Related X-Linked Nonsyndromic Mental Retardation; Intellectual disability, X-linked 90. Identifiers: Orphanet 777, MedGen C3275443, MONDO:0010452, OMIM 300850.

Allele frequency attached by ClinVar (database versions not stated): ESP Exome Variant Server 0.00010; gnomAD exomes 0.00001; TOPMed 0.00001; ExAC 0.00003; gnomAD 0.00003.
gnomAD v4.1: 16 of 1,201,600 alleles (0.0013%); highest among the groups gnomAD compares: African/African-American, 0.0052%; no homozygotes.

Submissions (2):

Equipe Genetique des Anomalies du Developpement, Université de Bourgogne
Classification: Likely benign for Intellectual developmental disorder, X-linked 90. Last evaluated: 2025-01-31. Review status: criteria provided, single submitter. Criteria: ACMG Guidelines, 2015. Collection method: curation. Allele origin: germline. Affected: yes.
Comment: Literature review. This variant is a missense which replaces a proline with a leucine at position 84. Hemizygous pathogenic variants in DLG3 are reported in an autosomal dominant intellectual disability (OMIM #300850). This variant is present in 6 males individuals in the population database gnomAD (v4.1.0). It has previously been reported in ClinVar and was reported in the literature (PMID:34008892). In silico prediction scores are in favor of an absence of effect. Based on these evidences, the variant was classified as likely benign.

Laboratory of Medical Genetics, National & Kapodistrian University of Athens
Classification: Uncertain significance for Intellectual developmental disorder, X-linked 90. Last evaluated: 2021-10-06. Review status: criteria provided, single submitter. Criteria: ACMG Guidelines, 2015. Collection method: clinical testing. Allele origin: maternal. Affected: yes.
Comment: PM2, PP3, PP5, BP1

Literature cited by the submitters: PubMed 34008892 (cited by Equipe Genetique des Anomalies du Developpement, Université de Bourgogne).